The following is an entry in ClinVar:

ClinVar aggregate classification (germline): Uncertain significance (1 of 4 stars; one submission).

Allele frequency attached by ClinVar (database versions not stated): gnomAD exomes below 0.00001.
gnomAD v4.1: 1 of 1,591,360 alleles (0.000063%); highest among the groups gnomAD compares: Non-Finnish European, 0.000085%; no homozygotes.

Submission:

Labcorp Genetics (formerly Invitae), Labcorp
Classification: Uncertain significance. Last evaluated: 2021-11-10. Review status: criteria provided, single submitter. Criteria: Invitae Variant Classification Sherloc (09022015). Collection method: clinical testing. Allele origin: germline.
Comment: In summary, the available evidence is currently insufficient to determine the role of this variant in disease. Therefore, it has been classified as a Variant of Uncertain Significance. Algorithms developed to predict the effect of missense changes on protein structure and function are either unavailable or do not agree on the potential impact of this missense change (SIFT: "Deleterious"; PolyPhen-2: "Possibly Damaging"; Align-GVGD: "Class C0"). This variant has not been reported in the literature in individuals affected with RETREG1-related conditions. This variant is not present in population databases (gnomAD no frequency). This sequence change replaces serine, which is neutral and polar, with arginine, which is basic and polar, at codon 88 of the RETREG1 protein (p.Ser88Arg).

NM_001034850.3(RETREG1):c.262A>C (p.Ser88Arg)

Genes: RETREG1 (reticulophagy regulator 1; minus strand), RETREG1-AS1 (RETREG1 antisense RNA 1; plus strand). Cytogenetic location: 5p15.1.
Variant type: single nucleotide variant.
Coding change: c.262A>C on transcript NM_001034850.3 (MANE Select); coding-DNA position 262, A replaced by C.
Protein change: p.Ser88Arg; replaces serine 88 with arginine.
Molecular consequence: missense variant.
Genome position (GRCh38, 1-based): chr5:16,616,710, T>G on the plus strand (A>C on the coding strand, the complement: RETREG1 is on the minus strand). VCF-style: chr5-16616710-T-G. GRCh37 (hg19) VCF-style: chr5-16616819-T-G.
Other names: short protein forms S88R.
Identifiers: ClinVar variation 1514678 (VCV001514678.6), dbSNP rs2126387580, ClinGen allele CA359292683.